The following is an entry in ClinVar:

ClinVar aggregate classification (germline): Uncertain significance. Review status: criteria provided, multiple submitters, no conflicts (2 of 4 stars). 2 submissions from 2 submitters: Uncertain significance (2). Last evaluated 2023-12-05.

Allele frequency attached by ClinVar (database versions not stated): gnomAD exomes below 0.00001; TOPMed below 0.00001.
gnomAD v4.1: 2 of 1,595,036 alleles (0.00013%); highest among the groups gnomAD compares: Non-Finnish European, 0.00017%; no homozygotes.

Submissions (2):

Labcorp Genetics (formerly Invitae), Labcorp
Classification: Uncertain significance. Last evaluated: 2023-12-05. Review status: criteria provided, single submitter. Criteria: Invitae Variant Classification Sherloc (09022015). Collection method: clinical testing. Allele origin: germline.
Comment: This sequence change replaces serine, which is neutral and polar, with proline, which is neutral and non-polar, at codon 1892 of the KMT2B protein (p.Ser1892Pro). The frequency data for this variant in the population databases is considered unreliable, as metrics indicate poor data quality at this position in the gnomAD database. This variant has not been reported in the literature in individuals affected with KMT2B-related conditions. Advanced modeling of protein sequence and biophysical properties (such as structural, functional, and spatial information, amino acid conservation, physicochemical variation, residue mobility, and thermodynamic stability) has been performed at Invitae for this missense variant, however the output from this modeling did not meet the statistical confidence thresholds required to predict the impact of this variant on KMT2B protein function. In summary, the available evidence is currently insufficient to determine the role of this variant in disease. Therefore, it has been classified as a Variant of Uncertain Significance.

CeGaT Center for Human Genetics Tuebingen
Classification: Uncertain significance. Last evaluated: 2023-01-01. Review status: criteria provided, single submitter. Criteria: CeGaT Center For Human Genetics Tuebingen Variant Classification Criteria Version 2. Collection method: clinical testing. Allele origin: germline. Affected: yes. Observed: 1 variant allele.
Comment: KMT2B: PM2

NM_014727.3(KMT2B):c.5674T>C (p.Ser1892Pro)

Gene: KMT2B (lysine methyltransferase 2B; plus strand). Cytogenetic location: 19q13.12.
Variant type: single nucleotide variant.
Coding change: c.5674T>C on transcript NM_014727.3 (MANE Select); coding-DNA position 5674, T replaced by C.
Protein change: p.Ser1892Pro; replaces serine 1892 with proline.
Molecular consequence: missense variant.
Genome position (GRCh38, 1-based): chr19:35,732,223, T>C. VCF-style: chr19-35732223-T-C. GRCh37 (hg19) VCF-style: chr19-36223124-T-C.
Other names: short protein forms S1892P.
Identifiers: ClinVar variation 2649745 (VCV002649745.27), dbSNP rs968061994, ClinGen allele CA307795446.